The following is an entry in ClinVar:

ClinVar aggregate classification (germline): Uncertain significance. Review status: criteria provided, multiple submitters, no conflicts (2 of 4 stars). 3 submissions from 3 submitters: Uncertain significance (3). Last evaluated 2025-06-12.

Conditions:
Inborn genetic diseases. Identifiers: MedGen C0950123, MeSH D030342.

Allele frequency attached by ClinVar (database versions not stated): gnomAD exomes below 0.00001; TOPMed 0.00001; ExAC 0.00002.
gnomAD v4.1: 1 of 1,588,762 alleles (0.000063%); highest among the groups gnomAD compares: South Asian, 0.0011%; no homozygotes.

Submissions (3):

Ambry Genetics
Classification: Uncertain significance for Inborn genetic diseases. Last evaluated: 2025-06-12. Review status: criteria provided, single submitter. Criteria: Ambry Variant Classification Scheme 2023. Collection method: clinical testing. Allele origin: germline.

Labcorp Genetics (formerly Invitae), Labcorp
Classification: Uncertain significance. Last evaluated: 2022-05-25. Review status: criteria provided, single submitter. Criteria: Invitae Variant Classification Sherloc (09022015). Collection method: clinical testing. Allele origin: germline.
Comment: In summary, the available evidence is currently insufficient to determine the role of this variant in disease. Therefore, it has been classified as a Variant of Uncertain Significance. Algorithms developed to predict the effect of missense changes on protein structure and function (SIFT, PolyPhen-2, Align-GVGD) all suggest that this variant is likely to be tolerated. This variant has not been reported in the literature in individuals affected with CNGA1-related conditions. The frequency data for this variant in the population databases is considered unreliable, as metrics indicate poor data quality at this position in the gnomAD database. This sequence change replaces lysine, which is basic and polar, with arginine, which is basic and polar, at codon 133 of the CNGA1 protein (p.Lys133Arg).

Blueprint Genetics
Classification: Uncertain significance. Last evaluated: 2019-09-09. Review status: criteria provided, single submitter. Criteria: ACMG Guidelines, 2015. Collection method: clinical testing. Allele origin: germline.

NM_001379270.1(CNGA1):c.386A>G (p.Lys129Arg)

Genes: CNGA1 (cyclic nucleotide gated channel subunit alpha 1; minus strand), LOC101927157 (uncharacterized LOC101927157; plus strand). Cytogenetic location: 4p12.
Variant type: single nucleotide variant.
Coding change: c.386A>G on transcript NM_001379270.1 (MANE Select); coding-DNA position 386, A replaced by G.
Protein change: p.Lys129Arg; replaces lysine 129 with arginine.
Molecular consequence: missense variant.
Genome position (GRCh38, 1-based): chr4:47,943,232, T>C on the plus strand (A>G on the coding strand, the complement: CNGA1 is on the minus strand). VCF-style: chr4-47943232-T-C. GRCh37 (hg19) VCF-style: chr4-47945249-T-C.
Other names: c.386A>G, p.Lys129Arg (NM_000087.5, NM_001142564.2); c.398A>G, p.Lys133Arg (NM_001375386.1); c.398A>G (NM_000087.3); short protein forms K129R, K133R.
Identifiers: ClinVar variation 1928250 (VCV001928250.7), dbSNP rs763963244, ClinGen allele CA2911300.